The following is an entry in ClinVar:

ClinVar aggregate classification (germline): Conflicting classifications of pathogenicity. Review status: criteria provided, conflicting classifications (1 of 4 stars). 2 submissions from 2 submitters: Uncertain significance (1); Benign (1). Last evaluated 2022-11-01.

Conditions:
Kleefstra syndrome 1 (KLEFS1). Identifiers: Orphanet 261494, MedGen C0795833, MONDO:0027407, OMIM 610253.

Allele frequency attached by ClinVar (database versions not stated): ExAC 0.00001; gnomAD 0.00001.
gnomAD v4.1: 22 of 1,612,180 alleles (0.0014%); highest among the groups gnomAD compares: East Asian, 0.0022%; no homozygotes.

Submissions (2):

Labcorp Genetics (formerly Invitae), Labcorp
Classification: Uncertain significance for Kleefstra syndrome 1. Last evaluated: 2022-11-01. Review status: criteria provided, single submitter. Criteria: Invitae Variant Classification Sherloc (09022015). Collection method: clinical testing. Allele origin: germline.
Comment: In summary, the available evidence is currently insufficient to determine the role of this variant in disease. Therefore, it has been classified as a Variant of Uncertain Significance. Advanced modeling of protein sequence and biophysical properties (such as structural, functional, and spatial information, amino acid conservation, physicochemical variation, residue mobility, and thermodynamic stability) performed at Invitae indicates that this missense variant is not expected to disrupt EHMT1 protein function. This sequence change replaces proline, which is neutral and non-polar, with leucine, which is neutral and non-polar, at codon 208 of the EHMT1 protein (p.Pro208Leu). This variant has not been reported in the literature in individuals affected with EHMT1-related conditions. The frequency data for this variant in the population databases is considered unreliable, as metrics indicate poor data quality at this position in the gnomAD database.

Laboratory of Genetics, Children's Clinical University Hospital Latvia
Classification: Benign for Kleefstra syndrome 1. Review status: criteria provided, single submitter. Criteria: ACMG Guidelines, 2015. Collection method: curation. Allele origin: germline. Affected: yes.
Comment: Inheritance unknown

Literature cited by the submitters: PubMed 39013458 (cited by Laboratory of Genetics, Children's Clinical University Hospital Latvia).

NM_024757.5(EHMT1):c.623C>T (p.Pro208Leu)

Gene: EHMT1 (euchromatic histone lysine methyltransferase 1; plus strand). Cytogenetic location: 9q34.3.
Variant type: single nucleotide variant.
Coding change: c.623C>T on transcript NM_024757.5 (MANE Select); coding-DNA position 623, C replaced by T.
Protein change: p.Pro208Leu; replaces proline 208 with leucine.
Molecular consequence: missense variant.
Genome position (GRCh38, 1-based): chr9:137,717,163, C>T. VCF-style: chr9-137717163-C-T. GRCh37 (hg19) VCF-style: chr9-140611615-C-T.
Other names: c.623C>T, p.Pro208Leu (NM_001145527.2, NM_001354263.2, NM_001354611.2); c.530C>T, p.Pro177Leu (NM_001354259.2, NM_001354612.2); short protein forms P177L, P208L.
Identifiers: ClinVar variation 2416613 (VCV002416613.8), dbSNP rs776711228, ClinGen allele CA5374363.